The following is an entry in ClinVar:

NM_000343.4(SLC5A1):c.1683G>A (p.Trp561Ter)

Gene: SLC5A1 (solute carrier family 5 member 1; plus strand). Cytogenetic location: 22q12.3.
Variant type: single nucleotide variant.
Coding change: c.1683G>A on transcript NM_000343.4 (MANE Select); coding-DNA position 1683, G replaced by A.
Protein change: p.Trp561Ter; replaces tryptophan 561 with a stop codon.
Molecular consequence: nonsense.
Genome position (GRCh38, 1-based): chr22:32,104,803, G>A. VCF-style: chr22-32104803-G-A. GRCh37 (hg19) VCF-style: chr22-32500790-G-A.
Other names: c.1302G>A, p.Trp434Ter (NM_001256314.2); short protein forms W434*, W561*.
Identifiers: ClinVar variation 2820703 (VCV002820703.3), dbSNP rs2517677261, ClinGen allele CA411314542.

ClinVar aggregate classification (germline): Pathogenic (1 of 4 stars; one submission).

Conditions:
Congenital glucose-galactose malabsorption (GGM). Also called: DIARRHEA 16; MONOSACCHARIDE MALABSORPTION. Identifiers: Orphanet 35710, MedGen C0268186, MONDO:0011731, OMIM 606824.

Submission:

Labcorp Genetics (formerly Invitae), Labcorp
Classification: Pathogenic for Congenital glucose-galactose malabsorption. Last evaluated: 2023-06-06. Review status: criteria provided, single submitter. Criteria: Invitae Variant Classification Sherloc (09022015). Collection method: clinical testing. Allele origin: germline.
Comment: For these reasons, this variant has been classified as Pathogenic. This variant has not been reported in the literature in individuals affected with SLC5A1-related conditions. This variant is not present in population databases (gnomAD no frequency). This sequence change creates a premature translational stop signal (p.Trp561*) in the SLC5A1 gene. It is expected to result in an absent or disrupted protein product. Loss-of-function variants in SLC5A1 are known to be pathogenic (PMID: 8563765).

Literature cited by the submitters: PubMed 8563765.